The following is an entry in ClinVar:

ClinVar aggregate classification (germline): Uncertain significance (1 of 4 stars; one submission).

Conditions:
Hereditary cancer-predisposing syndrome. Also called: Neoplastic Syndromes, Hereditary; Tumor predisposition; Hereditary neoplastic syndrome; Hereditary Cancer Syndrome. Identifiers: Orphanet 140162, MedGen C0027672, MeSH D009386, MONDO:0015356.

Submission:

Ambry Genetics
Classification: Uncertain significance for Hereditary cancer-predisposing syndrome. Last evaluated: 2018-06-29. Review status: criteria provided, single submitter. Criteria: Ambry Variant Classification Scheme 2023. Collection method: clinical testing. Allele origin: germline.
Comment: The p.A180T variant (also known as c.538G>A), located in coding exon 4 of the DICER1 gene, results from a G to A substitution at nucleotide position 538. The alanine at codon 180 is replaced by threonine, an amino acid with similar properties. This amino acid position is highly conserved in available vertebrate species. In addition, the in silico prediction for this alteration is inconclusive. Since supporting evidence is limited at this time, the clinical significance of this alteration remains unclear.

NM_177438.3(DICER1):c.538G>A (p.Ala180Thr)

Gene: DICER1 (dicer 1, ribonuclease III; minus strand). Cytogenetic location: 14q32.13.
Variant type: single nucleotide variant.
Coding change: c.538G>A on transcript NM_177438.3 (MANE Select); coding-DNA position 538, G replaced by A.
Protein change: p.Ala180Thr; replaces alanine 180 with threonine.
Molecular consequence: missense variant.
Genome position (GRCh38, 1-based): chr14:95,130,093, C>T on the plus strand (G>A on the coding strand, the complement: DICER1 is on the minus strand). VCF-style: chr14-95130093-C-T. GRCh37 (hg19) VCF-style: chr14-95596430-C-T.
Other names: c.538G>A, p.Ala180Thr (NM_001195573.1, NM_001271282.3, NM_001291628.2 and 1 more transcripts); short protein forms A180T.
Identifiers: ClinVar variation 825694 (VCV000825694.4), dbSNP rs1595458919, ClinGen allele CA390888398.